The following is an entry in ClinVar:

NM_001458.5(FLNC):c.934G>A (p.Val312Ile)

Gene: FLNC (filamin C; plus strand). Cytogenetic location: 7q32.1.
Variant type: single nucleotide variant.
Coding change: c.934G>A on transcript NM_001458.5 (MANE Select); coding-DNA position 934, G replaced by A.
Protein change: p.Val312Ile; replaces valine 312 with isoleucine.
Molecular consequence: missense variant.
Genome position (GRCh38, 1-based): chr7:128,837,720, G>A. VCF-style: chr7-128837720-G-A. GRCh37 (hg19) VCF-style: chr7-128477774-G-A.
Other names: c.934G>A, p.Val312Ile (NM_001127487.2); short protein forms V312I.
Identifiers: ClinVar variation 1432056 (VCV001432056.6), dbSNP rs2128934250, ClinGen allele CA369223161.
Genomic context (GRCh38, chr7:128,837,720, plus strand): 5'-GTGCTGCAGCCTGCCCACTTCACCGTGCAGACGGTGGACGCGGGCGTGGGCGAGGTGCTG[G>A]TCTACATCGAGGACCCTGAAGGCCACACCGAGGAGGTATGCAGAGGCCGCTGGGGACAGA-3'
Protein context (NP_001449.3, residues 302-322): TVDAGVGEVL[Val312Ile]YIEDPEGHTE

ClinVar aggregate classification (germline): Uncertain significance (1 of 4 stars; one submission).

Conditions:
Myofibrillar myopathy 5. Also called: FILAMINOPATHY, AUTOSOMAL DOMINANT; Filaminopathy (type). Identifiers: Orphanet 171445, MedGen C1836050, MONDO:0012289, OMIM 609524.
Hypertrophic cardiomyopathy 26. Also called: Cardiomyopathy, familial hypertrophic, 26. Identifiers: Orphanet 75249, MedGen C4310749, MONDO:0014883, OMIM 617047.
Distal myopathy with posterior leg and anterior hand involvement. Also called: WILLIAMS DISTAL MYOPATHY. Identifiers: Orphanet 63273, MedGen C3279722, MONDO:0013550, OMIM 614065.

Submission:

Labcorp Genetics (formerly Invitae), Labcorp
Classification: Uncertain significance for Distal myopathy with posterior leg and anterior hand involvement; Myofibrillar myopathy 5; Hypertrophic cardiomyopathy 26. Last evaluated: 2021-11-24. Review status: criteria provided, single submitter. Criteria: Invitae Variant Classification Sherloc (09022015). Collection method: clinical testing. Allele origin: germline.
Comment: This sequence change replaces valine, which is neutral and non-polar, with isoleucine, which is neutral and non-polar, at codon 312 of the FLNC protein (p.Val312Ile). This variant is not present in population databases (gnomAD no frequency). This variant has not been reported in the literature in individuals affected with FLNC-related conditions. Algorithms developed to predict the effect of missense changes on protein structure and function are either unavailable or do not agree on the potential impact of this missense change (SIFT: "Deleterious"; PolyPhen-2: "Probably Damaging"; Align-GVGD: "Class C0"). In summary, the available evidence is currently insufficient to determine the role of this variant in disease. Therefore, it has been classified as a Variant of Uncertain Significance.